The following is an entry in ClinVar:

ClinVar aggregate classification (germline): Conflicting classifications of pathogenicity. Review status: criteria provided, conflicting classifications (1 of 4 stars). 4 submissions from 4 submitters: Uncertain significance (3); Likely benign (1). Last evaluated 2025-11-10.

Conditions:
Hereditary nonpolyposis colorectal neoplasms. Identifiers: MedGen C0009405, MeSH D003123.
Hereditary cancer-predisposing syndrome. Also called: Hereditary neoplastic syndrome; Hereditary Cancer Syndrome; Neoplastic Syndromes, Hereditary; Tumor predisposition. Identifiers: Orphanet 140162, MedGen C0027672, MeSH D009386, MONDO:0015356.
Lynch syndrome. Identifiers: Orphanet 144, MedGen C4552100, MONDO:0005835. Disease mechanism: loss of function.

Allele frequency attached by ClinVar (database versions not stated): gnomAD exomes below 0.00001 and 0.00001; ExAC 0.00002; gnomAD 0.00002 and 0.00003; TOPMed 0.00003; ESP Exome Variant Server 0.00008.
gnomAD v4.1: 4 of 1,613,536 alleles (0.00025%); highest among the groups gnomAD compares: African/African-American, 0.0053%; no homozygotes.

Submissions (4):

Labcorp Genetics (formerly Invitae), Labcorp
Classification: Likely benign for Hereditary nonpolyposis colorectal neoplasms. Last evaluated: 2025-11-10. Review status: criteria provided, single submitter. Criteria: Invitae Variant Classification Sherloc (09022015). Collection method: clinical testing. Allele origin: germline.

Ambry Genetics
Classification: Uncertain significance for Hereditary cancer-predisposing syndrome. Last evaluated: 2025-03-22. Review status: criteria provided, single submitter. Criteria: Ambry Variant Classification Scheme 2023. Collection method: clinical testing. Allele origin: germline.
Comment: The p.D857N variant (also known as c.2569G>A), located in coding exon 4 of the MSH6 gene, results from a G to A substitution at nucleotide position 2569. The aspartic acid at codon 857 is replaced by asparagine, an amino acid with highly similar properties. This variant was identified in a cohort of 3,579 African males diagnosed with prostate cancer who underwent multi-gene panel testing of 19 DNA repair and cancer predisposition genes (Matejcic M et al. JCO Precis Oncol, 2020 Jan;4:32-43). This amino acid position is highly conserved in available vertebrate species. In addition, the in silico prediction for this alteration is inconclusive. Since supporting evidence is limited at this time, the clinical significance of this alteration remains unclear.

All of Us Research Program, National Institutes of Health
Classification: Uncertain significance for Lynch syndrome. Last evaluated: 2024-08-13. Review status: criteria provided, single submitter. Criteria: ACMG Guidelines, 2015. Collection method: clinical testing. Allele origin: germline. Inheritance: Autosomal dominant inheritance. Observed: 2 variant alleles, 2 heterozygotes.
Comment: This missense variant replaces aspartic acid with asparagine at codon 857 of the MSH6 protein. Computational prediction tool suggests that this variant may have deleterious impact on protein structure and function (internally defined REVEL score threshold >=0.7, PMID: 27666373). Splice site prediction tools suggest that this variant may not impact RNA splicing. To our knowledge, functional studies have not been performed for this variant. This variant has not been reported in individuals affected with hereditary cancer in the literature. This variant has been identified in 3/280676 chromosomes in the general population by the Genome Aggregation Database (gnomAD). The available evidence is insufficient to determine the role of this variant in disease conclusively. Therefore, this variant is classified as a Variant of Uncertain Significance.

This study involves interpretation of variants in research participants for the purpose of population health screening. Participant phenotype was not available at the time of variant classification. Additional details can be found in publication PMID: 35346344, PMCID: PMC8962531

Color Diagnostics, LLC DBA Color Health
Classification: Uncertain significance for Hereditary cancer-predisposing syndrome. Last evaluated: 2024-07-24. Review status: criteria provided, single submitter. Criteria: ACMG Guidelines, 2015. Collection method: clinical testing. Allele origin: germline.
Comment: This missense variant replaces aspartic acid with asparagine at codon 857 of the MSH6 protein. Computational prediction suggests that this variant may have deleterious impact on protein structure and function (internally defined REVEL score threshold >= 0.7, PMID: 27666373). To our knowledge, functional studies have not been reported for this variant. This variant has been reported in a cohort of individuals affected with prostate cancer (PMID: 32832836). This variant has been identified in 3/280676 chromosomes in the general population by the Genome Aggregation Database (gnomAD). The available evidence is insufficient to determine the role of this variant in disease conclusively. Therefore, this variant is classified as a Variant of Uncertain Significance.

Literature cited by the submitters: PubMed 32832836 (cited by Ambry Genetics and Color Diagnostics, LLC DBA Color Health).

NM_000179.3(MSH6):c.2569G>A (p.Asp857Asn)

Gene: MSH6 (mutS homolog 6; plus strand). Cytogenetic location: 2p16.3.
Variant type: single nucleotide variant.
Coding change: c.2569G>A on transcript NM_000179.3 (MANE Select); coding-DNA position 2569, G replaced by A.
Protein change: p.Asp857Asn; replaces aspartic acid 857 with asparagine.
Molecular consequence: missense variant.
Genome position (GRCh38, 1-based): chr2:47,800,552, G>A. VCF-style: chr2-47800552-G-A. GRCh37 (hg19) VCF-style: chr2-48027691-G-A.
Other names: c.2179G>A, p.Asp727Asn (NM_001281492.2); c.1663G>A, p.Asp555Asn (NM_001281493.2, NM_001281494.2); short protein forms D857N, D555N, D727N.
Identifiers: ClinVar variation 237161 (VCV000237161.20), dbSNP rs368437140, ClinGen allele CA069199.